The following is an entry in ClinVar:

ClinVar aggregate classification (germline): Pathogenic. Review status: criteria provided, multiple submitters, no conflicts (2 of 4 stars). 10 submissions from 10 submitters: Pathogenic (8). 2 of the submissions do not count toward it. Last evaluated 2025-12-10.

Conditions:
EPCAM-related disorder. Also called: EPCAM-related condition.
EPCAM-related disorders.
Congenital diarrhea 5 with tufting enteropathy. Also called: Congenital tufting enteropathy; INTESTINAL EPITHELIAL CELL DYSPLASIA. Identifiers: Orphanet 92050, MedGen C2750737, MONDO:0013184, OMIM 613217.

Allele frequency attached by ClinVar (database versions not stated): gnomAD exomes below 0.00001.

Submissions (10):

PreventionGenetics, part of Exact Sciences
Classification: Pathogenic for EPCAM-related condition. Last evaluated: 2025-12-10. Review status: criteria provided, single submitter. Criteria: ACMG Guidelines, 2015. Collection method: clinical testing. Allele origin: germline.
Comment: The EPCAM c.499dupC variant is predicted to result in a frameshift and premature protein termination (p.Gln167Profs*21). This variant has been reported in the homozygous state in multiple consanguineous families with individuals presenting with congenital tufting enteropathy (Al-Mayouf et al. 2009. PubMed ID: 19820410; AlMahamed et al. 2017, PubMed ID: 28361844; Saloman et al. 2011. PubMed ID: 21315192, reported as c.498insC). Functional studies in vitro demonstrate that this variant leads to absent cell-surface EPCAM protein expression (Schnell et al. 2013, Figure 2. PubMed ID: 23462293). In addition, duodenal biopsy sections from patients homozygous for this variant are absent of intercellular staining of EPCAM (Saloman et al. 2011. PubMed ID: 21315192). This variant has not been reported in a large population database, and is reported in ClinVar as pathogenic (Variation ID: 12774). Frameshift variants in EPCAM are expected to be pathogenic. This variant is interpreted as pathogenic.

3billion
Classification: Pathogenic for Congenital diarrhea 5 with tufting enteropathy. Last evaluated: 2025-11-17. Review status: criteria provided, single submitter. Criteria: ACMG Guidelines, 2015. Collection method: clinical testing. Allele origin: germline. Affected: yes.
Comment: The variant is observed at an extremely low frequency in the gnomAD v4.1.0 dataset (total allele frequency: <0.001%). Predicted Consequence/Location: Frameshift: predicted to result in a loss or disruption of normal protein function through nonsense-mediated decay (NMD) or protein truncation. Multiple pathogenic variants are reported downstream of the variant. The variant has been reported to be in trans with a pathogenic variant as either compound heterozygous or homozygous in at least one similarly affected unrelated individual (3billion dataset). The variant has been reported at least twice as pathogenic with clinical assertions and evidence for the classification (ClinVar ID: VCV000012774 /PMID: 19820410 /3billion dataset). Therefore, this variant is classified as Pathogenic according to the recommendation of ACMG/AMP guideline.

Aleixo Muise Laboratory, Hospital For Sick Children
Classification: Pathogenic for Congenital diarrhea 5 with tufting enteropathy. Last evaluated: 2024-07-05. Review status: criteria provided, single submitter. Criteria: ACMG Guidelines, 2015. Collection method: research. Allele origin: germline. Affected: yes. Observed: 7 variant alleles.
Comment: PVS1;PS1;PM2;PM3;PP3;PP4

Genomic Medicine Center of Excellence, King Faisal Specialist Hospital and Research Centre
Classification: Pathogenic for Congenital diarrhea 5 with tufting enteropathy. Last evaluated: 2023-05-08. Review status: criteria provided, single submitter. Criteria: ACMG Guidelines, 2015. Collection method: research. Allele origin: germline. Affected: yes.

Laboratory for Molecular Medicine, Mass General Brigham Personalized Medicine
Classification: Pathogenic for Congenital diarrhea 5 with tufting enteropathy. Last evaluated: 2023-02-02. Review status: criteria provided, single submitter. Criteria: ACMG Guidelines, 2015. Collection method: clinical testing. Allele origin: germline.
Comment: The p.Gln167ProfsX21 variant in EPCAM has been reported in >20 homozygous individuals and 2 compound heterozygous individuals with congenital diahrrea with tufting enteropathy and and segregated with disease in at least 1 affected individuals from 1 family. It is thought to be a founder mutation in the Gulf communities (Al-Mayouf 2009 PMID: 19820410, Salomon 2011 PMID: 21315192, Salomon 2014 PMID: 24142340, AlMahamed 2017 PMID: 28361844). It was absent from large population studies. This variant has also been reported in ClinVar (Variation ID 12774). Immunohistochemistry on cases and controls showed no staining for EPCAM on the intercellular memebrane in individuals homozygous for the variant (Salomon 2011 PMID: 21315192, Schnell 2013 PMID: 23462293, Alfares 2017 PMID: 28454995). This variant is predicted to cause a frameshift, which alters the protein’s amino acid sequence beginning at position 167 and leads to a premature termination codon 21 amino acids downstream. This alteration is then predicted to lead to a truncated or absent protein. Loss of function of the EPCAM gene is an established disease mechanism in autosomal recessive congenital diahrrea with tufting enteropathy. In summary, this variant meets criteria to be classified as pathogenic for autosomal recessive congenital diahrrea with tufting enteropathy. ACMG/AMP Criteria applied: PVS1, PM3_Strong, PM2_Supporting, PP1, PS3_Supporting.

GeneDx
Classification: Pathogenic. Last evaluated: 2021-12-07. Review status: criteria provided, single submitter. Criteria: GeneDx Variant Classification Process June 2021. Collection method: clinical testing. Allele origin: germline. Affected: yes.
Comment: Published functional studies demonstrate a damaging effect (Schnell et al., 2013); Not observed in large population cohorts (Lek et al., 2016); Frameshift variant predicted to result in protein truncation or nonsense mediated decay in a gene for which loss-of-function is a known mechanism of disease; This variant is associated with the following publications: (PMID: 19820410, 21315192, 23462293, 28361844, 24142340, 28454995, 30202406, 30461124, 31462756, 32483295, 32735948)

Blueprint Genetics
Classification: Pathogenic for EPCAM-related disorders. Last evaluated: 2021-11-25. Review status: criteria provided, single submitter. Criteria: ACMG Guidelines, 2015. Collection method: clinical testing. Allele origin: germline. Affected: yes. Observed: 1 variant allele.

ARUP Laboratories, Molecular Genetics and Genomics, ARUP Laboratories
Classification: Pathogenic. Review status: criteria provided, single submitter. Criteria: ARUP Molecular Germline Variant Investigation Process 2024. Collection method: clinical testing. Allele origin: germline.
Comment: The EPCAM c.499dup; p.Gln167ProfsTer21 variant is reported homozygous and compound heterozygous in the literature in multiple individuals affected with tufting enteropathy (AlMahamed 2017, Alkhalifa 2023, Hassan 2020). This variant is absent from the Genome Aggregation Database (v2.1.1), indicating it is not a common polymorphism. This variant causes a frameshift by inserting a single nucleotide, so it is predicted to result in a truncated protein or mRNA subject to nonsense-mediated decay. Based on available information, this variant is considered to be pathogenic.

Biochemical Molecular Genetic Laboratory, King Abdulaziz Medical City
Classification: Pathogenic for Congenital diarrhea 5 with tufting enteropathy. Last evaluated: 2018-05-02. Review status: no assertion criteria provided. Collection method: clinical testing. Allele origin: germline. Affected: yes. Not counted in ClinVar's aggregate classification.

OMIM
Classification: Pathogenic for DIARRHEA 5, WITH TUFTING ENTEROPATHY, CONGENITAL. Last evaluated: 2014-03-01. Review status: no assertion criteria provided. Collection method: literature only. Allele origin: germline. Not counted in ClinVar's aggregate classification.

Literature cited by the submitters: PubMed 19820410 (cited by 3billion and OMIM); PubMed 21315192 (cited by OMIM); PubMed 23462293 (cited by OMIM); PubMed 24142340 (cited by OMIM).

NM_002354.3(EPCAM):c.499dup (p.Gln167fs)

Gene: EPCAM (epithelial cell adhesion molecule; plus strand). Cytogenetic location: 2p21.
Variant type: Duplication.
Coding change: c.499dup on transcript NM_002354.3 (MANE Select); coding-DNA position 499, one base duplicated (C; older notation c.499dupC).
Protein change: p.Gln167fs; shifts the reading frame from glutamine 167.
Molecular consequence: frameshift variant.
Genome position (GRCh38, 1-based): chr2:47,377,021, C duplicated. VCF-style (leftmost placement, unchanged base first): chr2-47377020-T-TC. GRCh37 (hg19) VCF-style: chr2-47604159-T-TC.
Other names: c.499dupC (NM_002354.2, NM_002354.3); short protein forms Q167fs.
Identifiers: ClinVar variation 12774 (VCV000012774.11), dbSNP rs606231204, ClinGen allele CA122702.